The following is an entry in ClinVar:

ClinVar aggregate classification (germline): Uncertain significance. Review status: criteria provided, multiple submitters, no conflicts (2 of 4 stars). 2 submissions from 2 submitters: Uncertain significance (2). Last evaluated 2023-08-30.

Conditions:
Autosomal dominant hypocalcemia 1 (HYPOC1). Also called: HYPOCALCEMIA, FAMILIAL. Identifiers: MedGen C3715128, MONDO:0011013, OMIM 601198.
Familial hypocalciuric hypercalcemia (FHH). Also called: Familial benign hypercalcemia. Identifiers: Orphanet 405, MedGen C1809471, MONDO:0018458.
Nephrolithiasis/nephrocalcinosis. Identifiers: MedGen CN580796.

Allele frequency attached by ClinVar (database versions not stated): gnomAD exomes below 0.00001; TOPMed 0.00001.
gnomAD v4.1: 3 of 1,614,120 alleles (0.00019%); highest among the groups gnomAD compares: African/African-American, 0.0013%; no homozygotes.

Submissions (2):

Ambry Genetics
Classification: Uncertain significance for Nephrolithiasis/nephrocalcinosis. Last evaluated: 2023-08-30. Review status: criteria provided, single submitter. Criteria: Ambry Variant Classification Scheme 2023. Collection method: clinical testing. Allele origin: germline.
Comment: The p.E1020Q variant (also known as c.3058G>C), located in coding exon 6 of the CASR gene, results from a G to C substitution at nucleotide position 3058. The glutamic acid at codon 1020 is replaced by glutamine, an amino acid with highly similar properties. This amino acid position is not well conserved in available vertebrate species. In addition, this alteration is predicted to be tolerated by in silico analysis. Since supporting evidence is limited at this time, the clinical significance of this alteration remains unclear.

Labcorp Genetics (formerly Invitae), Labcorp
Classification: Uncertain significance for Familial hypocalciuric hypercalcemia; Autosomal dominant hypocalcemia 1. Last evaluated: 2023-01-12. Review status: criteria provided, single submitter. Criteria: Invitae Variant Classification Sherloc (09022015). Collection method: clinical testing. Allele origin: germline.
Comment: This sequence change replaces glutamic acid, which is acidic and polar, with glutamine, which is neutral and polar, at codon 1020 of the CASR protein (p.Glu1020Gln). This variant is not present in population databases (gnomAD no frequency). This variant has not been reported in the literature in individuals affected with CASR-related conditions. ClinVar contains an entry for this variant (Variation ID: 410353). Algorithms developed to predict the effect of missense changes on protein structure and function (SIFT, PolyPhen-2, Align-GVGD) all suggest that this variant is likely to be tolerated. In summary, the available evidence is currently insufficient to determine the role of this variant in disease. Therefore, it has been classified as a Variant of Uncertain Significance.

NM_000388.4(CASR):c.3058G>C (p.Glu1020Gln)

Gene: CASR (calcium sensing receptor; plus strand). Cytogenetic location: 3q21.1.
Variant type: single nucleotide variant.
Coding change: c.3058G>C on transcript NM_000388.4 (MANE Select); coding-DNA position 3058, G replaced by C.
Protein change: p.Glu1020Gln; replaces glutamic acid 1020 with glutamine.
Molecular consequence: missense variant.
Genome position (GRCh38, 1-based): chr3:122,285,012, G>C. VCF-style: chr3-122285012-G-C. GRCh37 (hg19) VCF-style: chr3-122003859-G-C.
Other names: c.3088G>C, p.Glu1030Gln (NM_001178065.2); short protein forms E1020Q, E1030Q.
Identifiers: ClinVar variation 410353 (VCV000410353.13), dbSNP rs1060502858, ClinGen allele CA16611098.